The following is an entry in ClinVar:

NM_177550.5(SLC13A5):c.1701G>C (p.Glu567Asp)

Gene: SLC13A5 (solute carrier family 13 member 5; minus strand). Cytogenetic location: 17p13.1.
Variant type: single nucleotide variant.
Coding change: c.1701G>C on transcript NM_177550.5 (MANE Select); coding-DNA position 1701, G replaced by C.
Protein change: p.Glu567Asp; replaces glutamic acid 567 with aspartic acid.
Molecular consequence: missense variant.
Genome position (GRCh38, 1-based): chr17:6,686,213, C>G on the plus strand (G>C on the coding strand, the complement: SLC13A5 is on the minus strand). VCF-style: chr17-6686213-C-G. GRCh37 (hg19) VCF-style: chr17-6589532-C-G.
Other names: c.1563G>C, p.Glu521Asp (NM_001143838.3); c.1650G>C, p.Glu550Asp (NM_001284509.2); c.1572G>C, p.Glu524Asp (NM_001284510.2); short protein forms E567D, E521D, E524D, E550D.
Identifiers: ClinVar variation 423929 (VCV000423929.2), dbSNP rs1064796705, ClinGen allele CA16620583.
Genomic context (GRCh38, chr17:6,686,213, plus strand): 5'-GGTTCGGTAGTCCTGAGGAGGGTAAGGGCTGTGTGTGTGGTCTTGTGGCTCTTCCTAAGT[C>G]TCAATATGTGTCACATTAGCCCAGTCAGGGAAATGATCCAAGTCAAATATGGCCCGTCCC-3'
Protein context (NP_808218.1, residues 557-568): FPDWANVTHI[Glu567Asp]T

ClinVar aggregate classification (germline): Uncertain significance (1 of 4 stars; one submission).

Submission:

GeneDx
Classification: Uncertain significance. Last evaluated: 2017-03-06. Review status: criteria provided, single submitter. Criteria: GeneDx Variant Classification (06012015). Collection method: clinical testing. Allele origin: germline. Affected: yes.
Comment: A variant of uncertain significance has been identified in the SLC13A5 gene. The E567D variant has not been published as a pathogenic variant, nor has it been reported as a benign variant to our knowledge. The E567D variant is not observed in large population cohorts (Lek et al., 2016; 1000 Genomes Consortium et al., 2015; Exome Variant Server). The E567D variant is a conservative amino acid substitution, which is not likely to impact secondary protein structure as these residues share similar properties. This substitution occurs at a position that is not conserved. In silico analysis is inconsistent in its predictions as to whether or not the variant is damaging to the protein structure/function. Based on the currently available information, it is unclear whether this variant is a pathogenic variant or a rare benign variant.